The following is an entry in ClinVar:

NM_000264.5(PTCH1):c.47G>A (p.Gly16Asp)

Genes: PTCH1 (patched 1; minus strand), LOC130002133 (ATAC-STARR-seq lymphoblastoid silent region 20071; plus strand). Cytogenetic location: 9q22.32.
Variant type: single nucleotide variant.
Coding change: c.47G>A on transcript NM_000264.5 (MANE Select); coding-DNA position 47, G replaced by A.
Protein change: p.Gly16Asp; replaces glycine 16 with aspartic acid.
Molecular consequence: missense variant. On other transcripts: non-coding transcript variant (1), intron variant (3).
Genome position (GRCh38, 1-based): chr9:95,508,315, C>T on the plus strand (G>A on the coding strand, the complement: PTCH1 is on the minus strand). VCF-style: chr9-95508315-C-T. GRCh37 (hg19) VCF-style: chr9-98270597-C-T.
Other names: c.47G>A, p.Gly16Asp (NM_001354918.2); c.199-1716G>A (NM_001083603.3); c.4-1716G>A (NM_001083602.3, NM_001354919.2); short protein forms G16D.
Identifiers: ClinVar variation 943863 (VCV000943863.8), dbSNP rs1843909922, ClinGen allele CA374121537.

ClinVar aggregate classification (germline): Uncertain significance. Review status: criteria provided, multiple submitters, no conflicts (2 of 4 stars). 2 submissions from 2 submitters: Uncertain significance (2). Last evaluated 2024-08-12.

Conditions:
Hereditary cancer-predisposing syndrome. Also called: Neoplastic Syndromes, Hereditary; Hereditary neoplastic syndrome; Hereditary Cancer Syndrome; Tumor predisposition. Identifiers: Orphanet 140162, MedGen C0027672, MeSH D009386, MONDO:0015356.
Gorlin syndrome. Also called: Nevoid Basal Cell Carcinoma Syndrome; Basal cell nevus syndrome. Identifiers: Orphanet 377, MedGen C0004779, MONDO:0007187.

Allele frequency attached by ClinVar (database versions not stated): gnomAD exomes below 0.00001.
gnomAD v4.1: 1 of 1,388,738 alleles (0.000072%); highest among the groups gnomAD compares: Non-Finnish European, 0.000093%; no homozygotes.

Submissions (2):

Labcorp Genetics (formerly Invitae), Labcorp
Classification: Uncertain significance for Gorlin syndrome. Last evaluated: 2024-08-12. Review status: criteria provided, single submitter. Criteria: Invitae Variant Classification Sherloc (09022015). Collection method: clinical testing. Allele origin: germline.
Comment: This sequence change replaces glycine, which is neutral and non-polar, with aspartic acid, which is acidic and polar, at codon 16 of the PTCH1 protein (p.Gly16Asp). This variant is not present in population databases (gnomAD no frequency). This variant has not been reported in the literature in individuals affected with PTCH1-related conditions. ClinVar contains an entry for this variant (Variation ID: 943863). Advanced modeling of protein sequence and biophysical properties (such as structural, functional, and spatial information, amino acid conservation, physicochemical variation, residue mobility, and thermodynamic stability) performed at Invitae indicates that this missense variant is not expected to disrupt PTCH1 protein function with a negative predictive value of 95%. In summary, the available evidence is currently insufficient to determine the role of this variant in disease. Therefore, it has been classified as a Variant of Uncertain Significance.

Ambry Genetics
Classification: Uncertain significance for Hereditary cancer-predisposing syndrome. Last evaluated: 2024-07-15. Review status: criteria provided, single submitter. Criteria: Ambry Variant Classification Scheme 2023. Collection method: clinical testing. Allele origin: germline.
Comment: The p.G16D variant (also known as c.47G>A), located in coding exon 1 of the PTCH1 gene, results from a G to A substitution at nucleotide position 47. The glycine at codon 16 is replaced by aspartic acid, an amino acid with similar properties. This amino acid position is conserved. In addition, this alteration is predicted to be tolerated by in silico analysis. Based on the available evidence, the clinical significance of this variant remains unclear.